The following is an entry in ClinVar:

NM_000396.4(CTSK):c.712delinsTCAGGCTTGCAT (p.Ala238fs)

Gene: CTSK (cathepsin K; minus strand). Cytogenetic location: 1q21.3.
Variant type: Indel.
Coding change: c.712delinsTCAGGCTTGCAT on transcript NM_000396.4 (MANE Select); coding-DNA position 712, G replaced by TCAGGCTTGCAT.
Protein change: p.Ala238fs; shifts the reading frame from alanine 238.
Molecular consequence: frameshift variant.
Genome position (GRCh38, 1-based): chr1:150,799,616, C replaced by ATGCAAGCCTGA on the plus strand (G replaced by TCAGGCTTGCAT on the coding strand, the reverse complement: CTSK is on the minus strand). VCF-style: chr1-150799616-C-ATGCAAGCCTGA. GRCh37 (hg19) VCF-style: chr1-150772092-C-ATGCAAGCCTGA.
Other names: short protein forms A238fs.
Identifiers: ClinVar variation 1726462 (VCV001726462.2), dbSNP rs2525166522, ClinGen allele CA2580060989.

ClinVar aggregate classification (germline): Likely pathogenic (1 of 4 stars; one submission).

Conditions:
Pyknodysostosis. Also called: Pycnodysostosis. Identifiers: Orphanet 763, MedGen C0238402, MONDO:0009940, OMIM 265800.

Submission:

Myriad Genetics, Inc.
Classification: Likely pathogenic for Pyknodysostosis. Last evaluated: 2021-12-17. Review status: criteria provided, single submitter. Criteria: Myriad Women's Health Autosomal Recessive and X-Linked Classification Criteria (2021). Collection method: clinical testing. Allele origin: unknown.
Comment: NM_000396.3(CTSK):c.712del1ins12(A238Sfs*20) is expected to be pathogenic in the context of pycnodysostosis. This variant is predicted to lead to an abnormal or absent protein product due to the creation of a premature termination codon in CTSK, a gene where loss-of-function variants are known to be pathogenic. Please note: this variant was assessed in the context of healthy population screening.